The following is an entry in ClinVar:

ClinVar aggregate classification (germline): Uncertain significance. Review status: criteria provided, single submitter (1 of 4 stars). 2 submissions from 2 submitters: Uncertain significance (1). 1 of the submissions does not count toward it. Last evaluated 2022-05-24.

Conditions:
Retinal dystrophy. Also called: Inherited retinal dystrophy. Identifiers: Orphanet 71862, MedGen C0854723, MeSH D058499, MONDO:0019118, HP:0000556.
Neuronal ceroid lipofuscinosis 7 (CLN7). Also called: MFSD8-Related Neuronal Ceroid-Lipofuscinosis. Identifiers: Orphanet 168491, Orphanet 228366, MedGen C1838571, MONDO:0012588, OMIM 610951.

Submissions (2):

Labcorp Genetics (formerly Invitae), Labcorp
Classification: Uncertain significance for Neuronal ceroid lipofuscinosis 7. Last evaluated: 2022-05-24. Review status: criteria provided, single submitter. Criteria: Invitae Variant Classification Sherloc (09022015). Collection method: clinical testing. Allele origin: germline.
Comment: This sequence change replaces glycine, which is neutral and non-polar, with arginine, which is basic and polar, at codon 342 of the MFSD8 protein (p.Gly342Arg). This variant is not present in population databases (gnomAD no frequency). This variant has not been reported in the literature in individuals affected with MFSD8-related conditions. Algorithms developed to predict the effect of missense changes on protein structure and function are either unavailable or do not agree on the potential impact of this missense change (SIFT: "Deleterious"; PolyPhen-2: "Probably Damaging"; Align-GVGD: "Class C0"). In summary, the available evidence is currently insufficient to determine the role of this variant in disease. Therefore, it has been classified as a Variant of Uncertain Significance.

Institute of Human Genetics, Univ. Regensburg, Univ. Regensburg
Classification: Likely pathogenic for Retinal dystrophy. Last evaluated: 2021-01-01. Review status: no assertion criteria provided. Criteria: ACMG Guidelines, 2015. Collection method: clinical testing. Allele origin: germline. Affected: yes. Not counted in ClinVar's aggregate classification.

NM_001371596.2(MFSD8):c.1024G>C (p.Gly342Arg)

Gene: MFSD8 (major facilitator superfamily domain containing 8; minus strand). Cytogenetic location: 4q28.2.
Variant type: single nucleotide variant.
Coding change: c.1024G>C on transcript NM_001371596.2 (MANE Select); coding-DNA position 1024, G replaced by C.
Protein change: p.Gly342Arg; replaces glycine 342 with arginine.
Molecular consequence: missense variant.
Genome position (GRCh38, 1-based): chr4:127,921,938, C>G on the plus strand (G>C on the coding strand, the complement: MFSD8 is on the minus strand). VCF-style: chr4-127921938-C-G. GRCh37 (hg19) VCF-style: chr4-128843093-C-G.
Other names: c.823G>C, p.Gly275Arg (NM_001363520.3); c.709G>C, p.Gly237Arg (NM_001363521.3); c.889G>C, p.Gly297Arg (NM_001371590.2); c.1024G>C, p.Gly342Arg (NM_001371591.2, NM_152778.4); c.1030G>C, p.Gly344Arg (NM_001371592.2); c.910G>C, p.Gly304Arg (NM_001371593.2); c.877G>C, p.Gly293Arg (NM_001371594.2); c.742G>C, p.Gly248Arg (NM_001371595.1); and 1 more; short protein forms G192R, G237R, G248R, G275R, G293R, G297R, G304R, G342R.
Identifiers: ClinVar variation 1995503 (VCV001995503.2), dbSNP rs2546048783, ClinGen allele CA358172022.